The following is an entry in ClinVar:

NM_007294.4(BRCA1):c.2870dup (p.Phe958fs)

Gene: BRCA1 (BRCA1 DNA repair associated; minus strand). Cytogenetic location: 17q21.31.
Variant type: Duplication.
Coding change: c.2870dup on transcript NM_007294.4 (MANE Select); coding-DNA position 2870, one base duplicated (A; older notation c.2870dupA).
Protein change: p.Phe958fs; shifts the reading frame from phenylalanine 958.
Molecular consequence: frameshift variant. On other transcripts: intron variant (137).
Genome position (GRCh38, 1-based): chr17:43,092,661, T duplicated on the plus strand (A on the coding strand, the reverse complement: BRCA1 is on the minus strand). VCF-style (leftmost placement, unchanged base first): chr17-43092660-C-CT. GRCh37 (hg19) VCF-style: chr17-41244677-C-CT.
Other names: c.2870dupA (NM_007294.3); c.2606dup, p.Phe870fs (NM_001407926.1, NM_001407927.1, NM_001407928.1 and 9 more transcripts); c.2603dup, p.Phe869fs (NM_001407930.1, NM_001407931.1, NM_001407932.1 and 2 more transcripts); c.2747dup, p.Phe917fs (NM_001407937.1, NM_001407938.1, NM_001407939.1 and 19 more transcripts); c.2744dup, p.Phe916fs (NM_001407940.1, NM_001407941.1, NM_001407649.1 and 11 more transcripts); c.2729dup, p.Phe911fs (NM_001407942.1, NM_001407944.1, NM_001407945.1 and 29 more transcripts); c.2726dup, p.Phe910fs (NM_001407943.1, NM_001407964.1, NM_001407740.1 and 20 more transcripts); c.2537dup, p.Phe847fs (NM_001407946.1, NM_001407947.1, NM_001407948.1 and 6 more transcripts); and 42 more; short protein forms F958fs, F911fs, F662fs, F831fs, F869fs, F910fs, F932fs, F957fs.
Identifiers: ClinVar variation 54705 (VCV000054705.3), dbSNP rs397509020, ClinGen allele CA327841.

ClinVar aggregate classification (germline): Pathogenic. Review status: reviewed by expert panel (3 of 4 stars). 2 submissions from 2 submitters: Pathogenic (1). 1 of the submissions does not count toward it. Last evaluated 2017-12-15.

Conditions:
Breast-ovarian cancer, familial, susceptibility to, 1 (BROVCA1). Also called: OVARIAN CANCER, SUSCEPTIBILITY TO; BRCA1 Hereditary Breast and Ovarian Cancer. Identifiers: Orphanet 145, MedGen C2676676, MONDO:0011450, OMIM 604370. Disease mechanism: loss of function.
Familial cancer of breast. Also called: Hereditary breast cancer; hereditary breast carcinoma; BREAST CANCER, FAMILIAL. Identifiers: Orphanet 227535, MedGen C0346153, MONDO:0016419, OMIM 114480. Disease mechanism: loss of function.

Submissions (2):

Evidence-based Network for the Interpretation of Germline Mutant Alleles (ENIGMA)
Classification: Pathogenic for Breast-ovarian cancer, familial, susceptibility to, 1. Last evaluated: 2017-12-15. Review status: reviewed by expert panel. Criteria: ENIGMA BRCA1/2 Classification Criteria (2017-06-29). Collection method: curation. Allele origin: germline. Study: ENIGMA.
Comment: Variant allele predicted to encode a truncated non-functional protein.

ClinVar Staff, National Center for Biotechnology Information (NCBI)
No classification provided. Condition: Familial cancer of breast. Review status: no classification provided. Collection method: literature only. Allele origin: germline. Affected: yes. Not counted in ClinVar's aggregate classification.

Literature cited by the submitters: PubMed 12655560 (cited by ClinVar Staff, National Center for Biotechnology Information (NCBI)).